The following is an entry in ClinVar:

ClinVar aggregate classification (germline): Uncertain significance. Review status: reviewed by expert panel (3 of 4 stars). 4 submissions from 4 submitters: Uncertain significance (1). 3 of the submissions do not count toward it. Last evaluated 2024-01-22.

Conditions:
Monogenic diabetes. Identifiers: Orphanet 183625, MedGen C3888631, MONDO:0015967.
Maturity-onset diabetes of the young (MODY). Also called: Maturity onset diabetes mellitus in young. Identifiers: Orphanet 552, MedGen C0342276, MONDO:0018911, HP:0004904.

Allele frequency attached by ClinVar (database versions not stated): gnomAD 0.00005; gnomAD exomes 0.00005 and 0.00007; ExAC 0.00006; ESP Exome Variant Server 0.00008; TOPMed 0.00006.
gnomAD v4.1: 106 of 1,613,962 alleles (0.0066%); highest among the groups gnomAD compares: Middle Eastern, 0.016%; 1 homozygote.

Submissions (4):

ClinGen Monogenic Diabetes Variant Curation Expert Panel
Classification: Uncertain significance for Monogenic diabetes. Last evaluated: 2024-01-22. Review status: reviewed by expert panel. Criteria: ClinGen Diabetes ACMG Specifications HNF1A V2.1.0. Collection method: curation. Allele origin: germline. Inheritance: Autosomal dominant inheritance.
Comment: The c.*4G>A variant in the hepatocyte nuclear factor 4 alpha gene, HNF4A is located in the 3'-UTR of the NM_175914.5. This variant has a Grpmax Filtering allele frequency in gnomAD 2.1.1 of 0.000048, which is greater than the MDEP threshold for BS1 (0.000033) (BS1). This variant was identified in an individual with diabetes; however, the calculated MODY probability is <50% (internal lab contributor). In summary, c.*4G>A meets the criteria to be classified as a variant of uncertain significance for monogenic diabetes. ACMG/AMP criteria applied, as specified by the ClinGen MDEP VCEP (specification version 2.0.0, approved 10/11/2023): BS1.

Women's Health and Genetics/Laboratory Corporation of America, LabCorp
Classification: Likely benign. Last evaluated: 2023-05-03. Review status: criteria provided, single submitter. Criteria: LabCorp Variant Classification Summary - May 2015. Collection method: clinical testing. Allele origin: germline. Not counted in ClinVar's aggregate classification.
Comment: Variant summary: HNF4A c.*4G>A is located in the untranslated mRNA region downstream of the termination codon. The variant allele was found at a frequency of 4.8e-05 in 250644 control chromosomes in the gnomAD database, including 1 homozygote. The observed variant frequency is approximately 15.32 fold of the estimated maximal expected allele frequency for a pathogenic variant in HNF4A causing Maturity Onset Diabetes Of The Young 1/Neonatal Diabetes Mellitus phenotype (3.1e-06), strongly suggesting that the variant is benign. To our knowledge, no occurrence of c.*4G>A in individuals affected with Maturity Onset Diabetes Of The Young 1/Neonatal Diabetes Mellitus and no experimental evidence demonstrating its impact on protein function have been reported. One clinical diagnostic laboratory has submitted clinical-significance assessments for this variant to ClinVar after 2014 without evidence for independent evaluation. One laboratory classified the variant as uncertain significance. Based on the evidence outlined above, the variant was classified as likely benign.

Athena Diagnostics
Classification: Uncertain significance. Last evaluated: 2022-01-12. Review status: criteria provided, single submitter. Criteria: Athena Diagnostics Criteria. Collection method: clinical testing. Allele origin: unknown. Not counted in ClinVar's aggregate classification.

Clinical Genomics, Uppaluri K&H Personalized Medicine Clinic
Classification: Uncertain significance for Maturity-onset diabetes of the young. Review status: criteria provided, single submitter. Criteria: K & H Uppaluri Personalized Medicine Clinic Variant Classification & Assertion Criteria_Updated V.1. Collection method: research. Allele origin: unknown. Inheritance: Autosomal dominant inheritance. Not counted in ClinVar's aggregate classification.
Comment: Potent mutations in HNF4A are associated with poor insulin secretion in response to hyperglycemia. Associated with MODY1. Patients initially respond well to sulfonylureas but eventually become insulin dependent. However, more evidence is required to ascertain the role of this particular variant rs193922468 in MODY, yet.

Literature cited by the submitters: PubMed 18268044 (cited by Clinical Genomics, Uppaluri K&H Personalized Medicine Clinic); PubMed 17563455 (cited by Clinical Genomics, Uppaluri K&H Personalized Medicine Clinic); PubMed 32583173 (cited by Clinical Genomics, Uppaluri K&H Personalized Medicine Clinic); PubMed 35052457 (cited by Clinical Genomics, Uppaluri K&H Personalized Medicine Clinic); PubMed 35118593 (cited by Clinical Genomics, Uppaluri K&H Personalized Medicine Clinic); DOI 10.1159/000334532 (cited by Clinical Genomics, Uppaluri K&H Personalized Medicine Clinic).

NM_175914.5(HNF4A):c.*4G>A

Gene: HNF4A (hepatocyte nuclear factor 4 alpha; plus strand). Cytogenetic location: 20q13.12.
Variant type: single nucleotide variant.
Coding change: c.*4G>A on transcript NM_175914.5 (MANE Select); 4 bases downstream of the stop codon, G replaced by A.
Molecular consequence: 3 prime UTR variant.
Genome position (GRCh38, 1-based): chr20:44,429,669, G>A. VCF-style: chr20-44429669-G-A. GRCh37 (hg19) VCF-style: chr20-43058309-G-A.
Other names: c.*4G>A (NM_175914.4, NM_000457.6, NM_001030003.3 and 4 more transcripts).
Identifiers: ClinVar variation 36346 (VCV000036346.6), dbSNP rs193922468, ClinGen allele CA213920.